The following is an entry in ClinVar:

ClinVar aggregate classification (germline): Uncertain significance (1 of 4 stars; one submission).

Conditions:
Multiple gastrointestinal atresias. Also called: FAMILIAL INTESTINAL POLYATRESIA SYNDROME; Multiple intestinal atresia. Identifiers: Orphanet 2300, MedGen C0220744, MONDO:0009465.

Submission:

Labcorp Genetics (formerly Invitae), Labcorp
Classification: Uncertain significance for Multiple gastrointestinal atresias. Last evaluated: 2021-08-17. Review status: criteria provided, single submitter. Criteria: Invitae Variant Classification Sherloc (09022015). Collection method: clinical testing. Allele origin: germline.
Comment: This variant results in a copy number gain of the genomic region encompassing exon(s) 15-20 of the TTC7A gene. The 5' boundary is likely confined to intron 14. The 3' end of this event is unknown as it extends beyond the assayed region for this gene and therefore may encompass additional genes. As the precise location of this event is unknown, it may be in tandem or it may be located elsewhere in the genome. This variant has not been reported in the literature in individuals with TTC7A-related conditions. Experimental studies and prediction algorithms are not available or were not evaluated, and the functional significance of this variant is currently unknown. In summary, the available evidence is currently insufficient to determine the role of this variant in disease. Therefore, it has been classified as a Variant of Uncertain Significance.

NC_000002.11:g.(?_47256343)_(47397923_?)dup

Genes: CALM2 (calmodulin 2; minus strand), STPG4 (sperm-tail PG-rich repeat containing 4; minus strand), TTC7A (tetratricopeptide repeat domain 7A; plus strand). Cytogenetic location: 2p21.
Variant type: Duplication.
Identifiers: ClinVar variation 2426558 (VCV002426558.4).